The following is an entry in ClinVar:

ClinVar aggregate classification (germline): Conflicting classifications of pathogenicity. Review status: criteria provided, conflicting classifications (1 of 4 stars). 7 submissions from 7 submitters: Uncertain significance (5); Benign (1); Likely benign (1). Last evaluated 2025-08-31.

Conditions:
Hereditary cancer-predisposing syndrome. Also called: Neoplastic Syndromes, Hereditary; Tumor predisposition; Hereditary Cancer Syndrome; Hereditary neoplastic syndrome. Identifiers: Orphanet 140162, MedGen C0027672, MeSH D009386, MONDO:0015356.
Lynch syndrome. Identifiers: Orphanet 144, MedGen C4552100, MONDO:0005835. Disease mechanism: loss of function.
Hereditary nonpolyposis colorectal neoplasms. Identifiers: MedGen C0009405, MeSH D003123.

Allele frequency attached by ClinVar (database versions not stated): TOPMed below 0.00001; gnomAD exomes 0.00001.
gnomAD v4.1: 2 of 1,614,132 alleles (0.00012%); highest among the groups gnomAD compares: Middle Eastern, 0.016%; no homozygotes.

Submissions (7):

Labcorp Genetics (formerly Invitae), Labcorp
Classification: Benign for Hereditary nonpolyposis colorectal neoplasms. Last evaluated: 2025-08-31. Review status: criteria provided, single submitter. Criteria: Invitae Variant Classification Sherloc (09022015). Collection method: clinical testing. Allele origin: germline.

GeneDx
Classification: Uncertain significance. Last evaluated: 2025-05-22. Review status: criteria provided, single submitter. Criteria: GeneDx Variant Classification Process June 2021. Collection method: clinical testing. Allele origin: germline. Affected: yes.
Comment: Not observed at significant frequency in large population cohorts (gnomAD); In silico analysis suggests that this missense variant does not alter protein structure/function; This variant is associated with the following publications: (PMID: 34326862, 28944238)

Ambry Genetics
Classification: Likely benign for Hereditary cancer-predisposing syndrome. Last evaluated: 2024-12-19. Review status: criteria provided, single submitter. Criteria: Ambry Variant Classification Scheme 2023. Collection method: clinical testing. Allele origin: germline.

All of Us Research Program, National Institutes of Health
Classification: Uncertain significance for Lynch syndrome. Last evaluated: 2023-12-01. Review status: criteria provided, single submitter. Criteria: ACMG Guidelines, 2015. Collection method: clinical testing. Allele origin: germline. Inheritance: Autosomal dominant inheritance. Observed: 1 variant allele, 1 heterozygote.
Comment: This missense variant replaces arginine with leucine at codon 178 of the MSH6 protein. Computational prediction suggests that this variant may not impact protein structure and function (internally defined REVEL score threshold <= 0.5, PMID: 27666373). To our knowledge, functional studies have not been reported for this variant. This variant has not been reported in individuals affected with hereditary cancer in the literature. This variant has been identified in 2/251448 chromosomes in the general population by the Genome Aggregation Database (gnomAD). The available evidence is insufficient to determine the role of this variant in disease conclusively. Therefore, this variant is classified as a Variant of Uncertain Significance.

This study involves interpretation of variants in research participants for the purpose of population health screening. Participant phenotype was not available at the time of variant classification. Additional details can be found in publication PMID: 35346344, PMCID: PMC8962531

Sema4
Classification: Uncertain significance for Hereditary cancer-predisposing syndrome. Last evaluated: 2022-02-27. Review status: criteria provided, single submitter. Criteria: Sema4 Curation Guidelines. Collection method: curation. Allele origin: germline.
Comment: To the best of our knowledge, the MSH6 c.533G>T (p.R178L) variant has not been reported in individuals with MSH6-related disease. This variant was observed in 1/16254 chromosomes in the African/African American population according to the Genome Aggregation Database (PMID: 32461654). The variant has been reported in ClinVar (Variation ID: 483842). In silico tools suggest the impact of the variant on protein function is benign, though these predictions have not been confirmed by functional studies. The evidence is insufficient to meet ACMG/AMP criteria for classifying the variant as benign or pathogenic. Thus, the clinical significance of this variant is currently uncertain.

Women's Health and Genetics/Laboratory Corporation of America, LabCorp
Classification: Uncertain significance. Last evaluated: 2022-02-16. Review status: criteria provided, single submitter. Criteria: LabCorp Variant Classification Summary - May 2015. Collection method: clinical testing. Allele origin: germline.

Color Diagnostics, LLC DBA Color Health
Classification: Uncertain significance for Hereditary cancer-predisposing syndrome. Last evaluated: 2020-12-08. Review status: criteria provided, single submitter. Criteria: ACMG Guidelines, 2015. Collection method: clinical testing. Allele origin: germline.
Comment: This missense variant replaces arginine with leucine at codon 178 of the MSH6 protein. Computational prediction suggests that this variant may not impact protein structure and function (internally defined REVEL score threshold <= 0.5, PMID: 27666373). To our knowledge, functional studies have not been reported for this variant. This variant has not been reported in individuals affected with hereditary cancer in the literature. This variant has been identified in 2/251448 chromosomes in the general population by the Genome Aggregation Database (gnomAD). The available evidence is insufficient to determine the role of this variant in disease conclusively. Therefore, this variant is classified as a Variant of Uncertain Significance.

NM_000179.3(MSH6):c.533G>T (p.Arg178Leu)

Gene: MSH6 (mutS homolog 6; plus strand). Cytogenetic location: 2p16.3.
Variant type: single nucleotide variant.
Coding change: c.533G>T on transcript NM_000179.3 (MANE Select); coding-DNA position 533, G replaced by T.
Protein change: p.Arg178Leu; replaces arginine 178 with leucine.
Molecular consequence: missense variant. On other transcripts: 5 prime UTR variant (1), intron variant (2).
Genome position (GRCh38, 1-based): chr2:47,795,969, G>T. VCF-style: chr2-47795969-G-T. GRCh37 (hg19) VCF-style: chr2-48023108-G-T.
Other names: c.-370G>T (NM_001281494.2); c.-279-2642G>T (NM_001281493.2); c.238-2642G>T (NM_001281492.2); short protein forms R178L.
Identifiers: ClinVar variation 483842 (VCV000483842.23), dbSNP rs786204186, ClinGen allele CA346738710.